The following is an entry in ClinVar:

NM_001190274.2(FBXO11):c.495A>G (p.Leu165=)

Gene: FBXO11 (F-box protein 11; minus strand). Cytogenetic location: 2p16.3.
Variant type: single nucleotide variant.
Coding change: c.495A>G on transcript NM_001190274.2 (MANE Select); coding-DNA position 495, A replaced by G.
Protein change: p.Leu165=; no amino-acid change (leucine 165 retained).
Molecular consequence: synonymous variant.
Genome position (GRCh38, 1-based): chr2:47,838,951, T>C on the plus strand (A>G on the coding strand, the complement: FBXO11 is on the minus strand). VCF-style: chr2-47838951-T-C. GRCh37 (hg19) VCF-style: chr2-48066090-T-C.
Other names: c.243A>G, p.Leu81= (NM_001374325.1, NM_025133.4).
Identifiers: ClinVar variation 4874738 (VCV004874738.2).

ClinVar aggregate classification (germline): Likely benign (1 of 4 stars; one submission).

gnomAD v4.1: 1 of 1,614,076 alleles (0.000062%); highest among the groups gnomAD compares: African/African-American, 0.0013%; no homozygotes.

Submission:

CeGaT Center for Human Genetics Tuebingen
Classification: Likely benign. Last evaluated: 2026-04-01. Review status: criteria provided, single submitter. Criteria: CeGaT Center For Human Genetics Tuebingen Variant Classification Criteria Version 2. Collection method: clinical testing. Allele origin: germline. Affected: yes. Observed: 1 variant allele.
Comment: FBXO11: BP4, BP7